The following is an entry in ClinVar:

NM_133261.3(GIPC3):c.679G>T (p.Gly227Trp)

Gene: GIPC3 (GIPC PDZ domain containing family member 3; plus strand). Cytogenetic location: 19p13.3.
Variant type: single nucleotide variant.
Coding change: c.679G>T on transcript NM_133261.3 (MANE Select); coding-DNA position 679, G replaced by T.
Protein change: p.Gly227Trp; replaces glycine 227 with tryptophan.
Molecular consequence: missense variant.
Genome position (GRCh38, 1-based): chr19:3,589,529, G>T. VCF-style: chr19-3589529-G-T. GRCh37 (hg19) VCF-style: chr19-3589527-G-T.
Other names: short protein forms G227W.
Identifiers: ClinVar variation 1314224 (VCV001314224.7), dbSNP rs202075236, ClinGen allele CA9080489.

ClinVar aggregate classification (germline): Conflicting classifications of pathogenicity. Review status: criteria provided, conflicting classifications (1 of 4 stars). 3 submissions from 3 submitters: Uncertain significance (2); Likely benign (1). Last evaluated 2025-02-10.

Allele frequency attached by ClinVar (database versions not stated): 1000 Genomes Project 0.00040; 1000 Genomes Project 30x 0.00047.

Submissions (3):

Labcorp Genetics (formerly Invitae), Labcorp
Classification: Likely benign. Last evaluated: 2025-02-10. Review status: criteria provided, single submitter. Criteria: Invitae Variant Classification Sherloc (09022015). Collection method: clinical testing. Allele origin: germline.

Blueprint Genetics
Classification: Uncertain significance. Last evaluated: 2024-07-16. Review status: criteria provided, single submitter. Criteria: ACMG Guidelines, 2015. Collection method: clinical testing. Allele origin: germline.

GeneDx
Classification: Uncertain significance. Last evaluated: 2022-05-17. Review status: criteria provided, single submitter. Criteria: GeneDx Variant Classification Process June 2021. Collection method: clinical testing. Allele origin: germline. Affected: yes.
Comment: In silico analysis supports that this missense variant has a deleterious effect on protein structure/function; Has not been previously published as pathogenic or benign to our knowledge